The following is an entry in ClinVar:

ClinVar aggregate classification (germline): Conflicting classifications of pathogenicity. Review status: criteria provided, conflicting classifications (1 of 4 stars). 5 submissions from 5 submitters: Uncertain significance (2); Likely benign (2). 1 of the submissions does not count toward it. Last evaluated 2026-01-08.

Conditions:
FAT4-related disorder. Also called: FAT4-related condition.
Inborn genetic diseases. Identifiers: MedGen C0950123, MeSH D030342.

Allele frequency attached by ClinVar (database versions not stated): gnomAD exomes 0.00025 and 0.00032; ExAC 0.00028; 1000 Genomes Project 0.00040; gnomAD 0.00048; TOPMed 0.00057; 1000 Genomes Project 30x 0.00062; ESP Exome Variant Server 0.00069.
gnomAD v4.1: 540 of 1,614,088 alleles (0.033%); highest among the groups gnomAD compares: African/African-American, 0.14%; no homozygotes.

Submissions (5):

Labcorp Genetics (formerly Invitae), Labcorp
Classification: Likely benign. Last evaluated: 2026-01-08. Review status: criteria provided, single submitter. Criteria: Invitae Variant Classification Sherloc (09022015). Collection method: clinical testing. Allele origin: germline.

Ambry Genetics
Classification: Likely benign for Inborn genetic diseases. Last evaluated: 2024-11-24. Review status: criteria provided, single submitter. Criteria: Ambry Variant Classification Scheme 2023. Collection method: clinical testing. Allele origin: germline.

GeneDx
Classification: Uncertain significance. Last evaluated: 2024-04-11. Review status: criteria provided, single submitter. Criteria: GeneDx Variant Classification Process June 2021. Collection method: clinical testing. Allele origin: germline. Affected: yes.
Comment: In silico analysis indicates that this missense variant does not alter protein structure/function; Has not been previously published as pathogenic or benign to our knowledge

Women's Health and Genetics/Laboratory Corporation of America, LabCorp
Classification: Uncertain significance. Last evaluated: 2022-02-25. Review status: criteria provided, single submitter. Criteria: LabCorp Variant Classification Summary - May 2015. Collection method: clinical testing. Allele origin: germline.
Comment: Variant summary: FAT4 c.13411G>A (p.Val4471Ile) results in a conservative amino acid change in the encoded protein sequence. Five of five in-silico tools predict a benign effect of the variant on protein function. The variant allele was found at a frequency of 0.00025 in 251426 control chromosomes (gnomAD). To our knowledge, no occurrence of c.13411G>A in individuals affected with FAT4-Related Disorders and no experimental evidence demonstrating its impact on protein function have been reported. Two clinical diagnostic laboratories have submitted clinical-significance assessments for this variant to ClinVar after 2014 and classified the variant as likely benign (n=1) and as uncertain significance (n=1). Based on the evidence outlined above, the variant was classified as uncertain significance.

PreventionGenetics, part of Exact Sciences
Classification: Likely benign for FAT4-related condition. Last evaluated: 2022-07-20. Review status: no assertion criteria provided. Collection method: clinical testing. Allele origin: germline. Not counted in ClinVar's aggregate classification.
Comment: This variant is classified as likely benign based on ACMG/AMP sequence variant interpretation guidelines (Richards et al. 2015 PMID: 25741868, with internal and published modifications).

NM_001291303.3(FAT4):c.13417G>A (p.Val4473Ile)

Gene: FAT4 (FAT atypical cadherin 4; plus strand). Cytogenetic location: 4q28.1.
Variant type: single nucleotide variant.
Coding change: c.13417G>A on transcript NM_001291303.3 (MANE Select); coding-DNA position 13417, G replaced by A.
Protein change: p.Val4473Ile; replaces valine 4473 with isoleucine.
Molecular consequence: missense variant.
Genome position (GRCh38, 1-based): chr4:125,490,233, G>A. VCF-style: chr4-125490233-G-A. GRCh37 (hg19) VCF-style: chr4-126411388-G-A.
Other names: c.13414G>A, p.Val4472Ile (NM_001291285.3); c.13411G>A, p.Val4471Ile (NM_024582.6); c.13417G>A (NM_001291303.1); short protein forms V4471I, V4473I, V4472I.
Identifiers: ClinVar variation 546123 (VCV000546123.17), dbSNP rs145835705, ClinGen allele CA3074367.